The following is an entry in ClinVar:

NM_001042492.3(NF1):c.5061G>C (p.Arg1687Ser)

Gene: NF1 (neurofibromin 1; plus strand). Cytogenetic location: 17q11.2.
Variant type: single nucleotide variant.
Coding change: c.5061G>C on transcript NM_001042492.3 (MANE Select); coding-DNA position 5061, G replaced by C.
Protein change: p.Arg1687Ser; replaces arginine 1687 with serine.
Molecular consequence: missense variant.
Genome position (GRCh38, 1-based): chr17:31,326,045, G>C. VCF-style: chr17-31326045-G-C. GRCh37 (hg19) VCF-style: chr17-29653063-G-C.
Other names: c.4998G>C, p.Arg1666Ser (NM_000267.4); short protein forms R1666S, R1687S.
Identifiers: ClinVar variation 1041668 (VCV001041668.5), dbSNP rs2069332144, ClinGen allele CA399007425.

ClinVar aggregate classification (germline): Uncertain significance (1 of 4 stars; one submission).

Conditions:
Neurofibromatosis, type 1 (NF1). Also called: VON RECKLINGHAUSEN DISEASE; NEUROFIBROMATOSIS, TYPE I, SOMATIC; Peripheral type neurofibromatosis; Neurofibromatosis, type I. Identifiers: Orphanet 636, MedGen C0027831, MONDO:0018975, OMIM 162200. Disease mechanism: loss of function.

Submission:

Labcorp Genetics (formerly Invitae), Labcorp
Classification: Uncertain significance for Neurofibromatosis, type 1. Last evaluated: 2024-05-07. Review status: criteria provided, single submitter. Criteria: Invitae Variant Classification Sherloc (09022015). Collection method: clinical testing. Allele origin: germline.
Comment: This sequence change replaces arginine, which is basic and polar, with serine, which is neutral and polar, at codon 1666 of the NF1 protein (p.Arg1666Ser). This variant is not present in population databases (gnomAD no frequency). This variant has not been reported in the literature in individuals affected with NF1-related conditions. ClinVar contains an entry for this variant (Variation ID: 1041668). Advanced modeling of protein sequence and biophysical properties (such as structural, functional, and spatial information, amino acid conservation, physicochemical variation, residue mobility, and thermodynamic stability) performed at Invitae indicates that this missense variant is expected to disrupt NF1 protein function with a positive predictive value of 95%. In summary, the available evidence is currently insufficient to determine the role of this variant in disease. Therefore, it has been classified as a Variant of Uncertain Significance.